The following is an entry in ClinVar:

ClinVar aggregate classification (germline): Uncertain significance (1 of 4 stars; one submission).

Allele frequency attached by ClinVar (database versions not stated): gnomAD 0.00002; ExAC 0.00003; TOPMed 0.00005.
gnomAD v4.1: 25 of 1,604,636 alleles (0.0016%); highest among the groups gnomAD compares: East Asian, 0.036%; no homozygotes.

Submission:

Labcorp Genetics (formerly Invitae), Labcorp
Classification: Uncertain significance. Last evaluated: 2022-03-11. Review status: criteria provided, single submitter. Criteria: Invitae Variant Classification Sherloc (09022015). Collection method: clinical testing. Allele origin: germline.
Comment: This sequence change falls in intron 2 of the SLC30A10 gene. It does not directly change the encoded amino acid sequence of the SLC30A10 protein. It affects a nucleotide within the consensus splice site. This variant is present in population databases (rs766276844, gnomAD 0.07%). In summary, the available evidence is currently insufficient to determine the role of this variant in disease. Therefore, it has been classified as a Variant of Uncertain Significance. Variants that disrupt the consensus splice site are a relatively common cause of aberrant splicing (PMID: 17576681, 9536098). Algorithms developed to predict the effect of sequence changes on RNA splicing suggest that this variant is not likely to affect RNA splicing. This variant has not been reported in the literature in individuals affected with SLC30A10-related conditions.

Literature cited by the submitters: PubMed 17576681; PubMed 9536098.

NM_018713.3(SLC30A10):c.718+4G>A

Gene: SLC30A10 (solute carrier family 30 member 10; minus strand). Cytogenetic location: 1q41.
Variant type: single nucleotide variant.
Coding change: c.718+4G>A on transcript NM_018713.3 (MANE Select); 4 bases into the intron after coding-DNA position 718, G replaced by A.
Molecular consequence: intron variant.
Genome position (GRCh38, 1-based): chr1:219,927,024, C>T on the plus strand (G>A on the coding strand, the complement: SLC30A10 is on the minus strand). VCF-style: chr1-219927024-C-T. GRCh37 (hg19) VCF-style: chr1-220100366-C-T.
Other names: c.529+4G>A (NM_001376929.1).
Identifiers: ClinVar variation 2192516 (VCV002192516.2), dbSNP rs766276844, ClinGen allele CA1399259.